The following is an entry in ClinVar:

ClinVar aggregate classification (germline): Uncertain significance (1 of 4 stars; one submission).

Conditions:
Autosomal dominant spastic paraplegia type 9. Identifiers: MedGen C1832669, MONDO:0015091.
de Barsy syndrome. Also called: Cutis laxa-corneal clouding-oligophrenia syndrome. Identifiers: Orphanet 2962, MedGen C0268354, MONDO:0017569.
Cutis laxa, autosomal dominant 3 (ADCL3). Identifiers: Orphanet 90348, MedGen C4225268, MONDO:0014706, OMIM 616603.

Allele frequency attached by ClinVar (database versions not stated): gnomAD 0.00001; gnomAD exomes 0.00001; TOPMed 0.00001; ExAC 0.00002; ESP Exome Variant Server 0.00008.
gnomAD v4.1: 17 of 1,613,952 alleles (0.0011%); highest among the groups gnomAD compares: African/African-American, 0.0027%; no homozygotes.

Submission:

Labcorp Genetics (formerly Invitae), Labcorp
Classification: Uncertain significance for Autosomal dominant spastic paraplegia type 9; de Barsy syndrome; Cutis laxa, autosomal dominant 3. Last evaluated: 2025-02-03. Review status: criteria provided, single submitter. Criteria: Invitae Variant Classification Sherloc (09022015). Collection method: clinical testing. Allele origin: germline.
Comment: This sequence change replaces arginine, which is basic and polar, with histidine, which is basic and polar, at codon 558 of the ALDH18A1 protein (p.Arg558His). This variant is present in population databases (rs375122662, gnomAD 0.002%). This variant has not been reported in the literature in individuals affected with ALDH18A1-related conditions. ClinVar contains an entry for this variant (Variation ID: 2193013). Invitae Evidence Modeling of protein sequence and biophysical properties (such as structural, functional, and spatial information, amino acid conservation, physicochemical variation, residue mobility, and thermodynamic stability) indicates that this missense variant is expected to disrupt ALDH18A1 protein function with a positive predictive value of 95%. In summary, the available evidence is currently insufficient to determine the role of this variant in disease. Therefore, it has been classified as a Variant of Uncertain Significance.

NM_002860.4(ALDH18A1):c.1673G>A (p.Arg558His)

Gene: ALDH18A1 (aldehyde dehydrogenase 18 family member A1; minus strand). Cytogenetic location: 10q24.1.
Variant type: single nucleotide variant.
Coding change: c.1673G>A on transcript NM_002860.4 (MANE Select); coding-DNA position 1673, G replaced by A.
Protein change: p.Arg558His; replaces arginine 558 with histidine.
Molecular consequence: missense variant.
Genome position (GRCh38, 1-based): chr10:95,614,094, C>T on the plus strand (G>A on the coding strand, the complement: ALDH18A1 is on the minus strand). VCF-style: chr10-95614094-C-T. GRCh37 (hg19) VCF-style: chr10-97373851-C-T.
Other names: c.1667G>A, p.Arg556His (NM_001017423.2, NM_001323415.2); c.1340G>A, p.Arg447His (NM_001323412.2, NM_001323416.2); c.1673G>A, p.Arg558His (NM_001323413.2, NM_001323414.2); c.1568G>A, p.Arg523His (NM_001323417.2); c.1334G>A, p.Arg445His (NM_001323418.2); c.1037G>A, p.Arg346His (NM_001323419.2); short protein forms R558H, R346H, R445H, R447H, R523H, R556H.
Identifiers: ClinVar variation 2193013 (VCV002193013.4), dbSNP rs375122662, ClinGen allele CA5620248.